The following is an entry in ClinVar:

ClinVar aggregate classification (germline): Uncertain significance (1 of 4 stars; one submission).

gnomAD v4.1: 4 of 1,612,144 alleles (0.00025%); highest among the groups gnomAD compares: South Asian, 0.0011%; no homozygotes.

Submission:

GeneDx
Classification: Uncertain significance. Last evaluated: 2025-05-30. Review status: criteria provided, single submitter. Criteria: GeneDx Variant Classification Process June 2021. Collection method: clinical testing. Allele origin: germline. Affected: yes.
Comment: Not observed at significant frequency in large population cohorts (gnomAD); In silico analysis supports that this missense variant has a deleterious effect on protein structure/function; Has not been previously published as pathogenic or benign to our knowledge

NM_033109.5(PNPT1):c.1798A>G (p.Arg600Gly)

Gene: PNPT1 (polyribonucleotide nucleotidyltransferase 1; minus strand). Cytogenetic location: 2p16.1.
Variant type: single nucleotide variant.
Coding change: c.1798A>G on transcript NM_033109.5 (MANE Select); coding-DNA position 1798, A replaced by G.
Protein change: p.Arg600Gly; replaces arginine 600 with glycine.
Molecular consequence: missense variant.
Genome position (GRCh38, 1-based): chr2:55,645,373, T>C on the plus strand (A>G on the coding strand, the complement: PNPT1 is on the minus strand). VCF-style: chr2-55645373-T-C. GRCh37 (hg19) VCF-style: chr2-55872508-T-C.
Other names: short protein forms R600G.
Identifiers: ClinVar variation 4532537 (VCV004532537.1).